The following continues an entry in ClinVar:

NM_000059.4(BRCA2):c.771_775del (p.Asn257fs)

Gene: BRCA2. ClinVar aggregate classification (germline): Pathogenic. Pathogenic (1).

Submissions 28 to 36 of 36:

Medical Genetics Laboratory, Umraniye Training and Research Hospital, University of Health Sciences
Classification: Pathogenic for Breast carcinoma. Last evaluated: 2021-08-08. Review status: no assertion criteria provided. Collection method: clinical testing. Allele origin: germline. Inheritance: Autosomal dominant inheritance. Affected: yes. Observed: 1 variant allele, 1 heterozygote. Not counted in ClinVar's aggregate classification.

Molecular Oncology, Hospital Universitario Central de Asturias (HUCA)
Classification: Pathogenic for Breast-ovarian cancer, familial, susceptibility to, 2. Last evaluated: 2021-05-24. Review status: no assertion criteria provided. Collection method: case-control. Allele origin: germline. Affected: yes. Not counted in ClinVar's aggregate classification.

Counsyl
Classification: Pathogenic for Breast-ovarian cancer, familial, susceptibility to, 2. Last evaluated: 2016-01-15. Review status: no assertion criteria provided. Collection method: clinical testing. Allele origin: unknown. Not counted in ClinVar's aggregate classification.

Research Molecular Genetics Laboratory, Women's College Hospital, University of Toronto
Classification: Pathogenic for Hereditary breast ovarian cancer syndrome. Last evaluated: 2014-01-31. Review status: no assertion criteria provided. Collection method: research. Allele origin: germline. Affected: yes. Study: The Canadian Open Genetics Repository (COGR). Not counted in ClinVar's aggregate classification.

Sharing Clinical Reports Project (SCRP)
Classification: Pathogenic for Breast-ovarian cancer, familial 2. Last evaluated: 2012-10-09. Review status: no assertion criteria provided. Collection method: clinical testing. Allele origin: germline. Not counted in ClinVar's aggregate classification.

Breast Cancer Information Core (BIC) (BRCA2)
Classification: Pathogenic for Breast-ovarian cancer, familial 2. Last evaluated: 2002-05-29. Review status: no assertion criteria provided. Collection method: clinical testing. Allele origin: germline, unknown. Affected: yes. Observed: 14 variant alleles. Not counted in ClinVar's aggregate classification.

OMIM
Classification: Pathogenic for BREAST-OVARIAN CANCER, FAMILIAL, SUSCEPTIBILITY TO, 2. Last evaluated: 2000-05-01. Review status: no assertion criteria provided. Collection method: literature only. Allele origin: germline. Not counted in ClinVar's aggregate classification.

Diagnostic Laboratory, Department of Genetics, University Medical Center Groningen
Classification: Pathogenic for Breast-ovarian cancer, familial, susceptibility to, 2. Review status: no assertion criteria provided. Collection method: clinical testing. Allele origin: germline. Affected: yes. Study: VKGL Data-share Consensus. Not counted in ClinVar's aggregate classification.

GeneReviews
No classification provided. Condition: Hereditary breast ovarian cancer syndrome. Review status: no classification provided. Collection method: literature only. Allele origin: germline. Not counted in ClinVar's aggregate classification.
Comment: Founder variant in Icelanders

Literature cited by the submitters: PubMed 8589730 (cited by 6 submitters); PubMed 9150155 (cited by 9 submitters); PubMed 15217494 (cited by 5 submitters); PubMed 23857704 (cited by 3 submitters); PubMed 27062684 (cited by Ambry Genetics and Quest Diagnostics Nichols Institute San Juan Capistrano); PubMed 27537391 (cited by Ambry Genetics); PubMed 28724667 (cited by Ambry Genetics and Quest Diagnostics Nichols Institute San Juan Capistrano); PubMed 20104584 (cited by Labcorp Genetics (formerly Invitae), Labcorp); PubMed 8673089 (cited by 4 submitters); PubMed 24549055 (cited by 4 submitters); PubMed 25863477 (cited by 4 submitters); PubMed 11781689 (cited by 3 submitters); PubMed 12114473 (cited by 3 submitters); PubMed 19478387 (cited by 4 submitters); PubMed 23877192 (cited by 3 submitters); PubMed 24156927 (cited by 3 submitters); PubMed 26689913 (cited by Mayo Clinic Laboratories, Mayo Clinic and Quest Diagnostics Nichols Institute San Juan Capistrano); PubMed 30093976 (cited by Mayo Clinic Laboratories, Mayo Clinic and Quest Diagnostics Nichols Institute San Juan Capistrano); PubMed 30350268 (cited by Mayo Clinic Laboratories, Mayo Clinic and Quest Diagnostics Nichols Institute San Juan Capistrano); PubMed 30702160 (cited by Mayo Clinic Laboratories, Mayo Clinic and Quest Diagnostics Nichols Institute San Juan Capistrano); PubMed 31957001 (cited by Mayo Clinic Laboratories, Mayo Clinic and Quest Diagnostics Nichols Institute San Juan Capistrano); PubMed 32341426 (cited by Mayo Clinic Laboratories, Mayo Clinic and Quest Diagnostics Nichols Institute San Juan Capistrano); PubMed 9643283 (cited by Mayo Clinic Laboratories, Mayo Clinic and Women's Health and Genetics/Laboratory Corporation of America, LabCorp); PubMed 9802270 (cited by Mayo Clinic Laboratories, Mayo Clinic and Quest Diagnostics Nichols Institute San Juan Capistrano); PubMed 38709234 (cited by Quest Diagnostics Nichols Institute San Juan Capistrano); PubMed 36367610 (cited by Quest Diagnostics Nichols Institute San Juan Capistrano); PubMed 34254208 (cited by Quest Diagnostics Nichols Institute San Juan Capistrano); PubMed 15571962 (cited by 4 submitters); PubMed 29339979 (cited by Quest Diagnostics Nichols Institute San Juan Capistrano); PubMed 29625052 (cited by Quest Diagnostics Nichols Institute San Juan Capistrano); PubMed 29752822 (cited by Quest Diagnostics Nichols Institute San Juan Capistrano); PubMed 30720243 (cited by Quest Diagnostics Nichols Institute San Juan Capistrano); PubMed 30787465 (cited by Quest Diagnostics Nichols Institute San Juan Capistrano); PubMed 30875412 (cited by Quest Diagnostics Nichols Institute San Juan Capistrano); PubMed 31159747 (cited by Quest Diagnostics Nichols Institute San Juan Capistrano); PubMed 31825140 (cited by Quest Diagnostics Nichols Institute San Juan Capistrano); PubMed 17591843 (cited by Quest Diagnostics Nichols Institute San Juan Capistrano); PubMed 9634522 (cited by Quest Diagnostics Nichols Institute San Juan Capistrano); PubMed 16768547 (cited by Color Diagnostics, LLC DBA Color Health and All of Us Research Program, National Institutes of Health); PubMed 9766673 (cited by Women's Health and Genetics/Laboratory Corporation of America, LabCorp); PubMed 8706004 (cited by Women's Health and Genetics/Laboratory Corporation of America, LabCorp); PubMed 10807692 (cited by 3 submitters); PubMed 16418514 (cited by Women's Health and Genetics/Laboratory Corporation of America, LabCorp); PubMed 17565157 (cited by Women's Health and Genetics/Laboratory Corporation of America, LabCorp); PubMed 38922859 (cited by Molecular Oncology, Hospital Universitario Central de Asturias (HUCA)); NCBI Bookshelf NBK1247 (cited by GeneReviews).